The following is an entry in ClinVar:

NM_000392.5(ABCC2):c.4203C>A (p.Tyr1401Ter)

Gene: ABCC2 (ATP binding cassette subfamily C member 2; plus strand). Cytogenetic location: 10q24.2.
Variant type: single nucleotide variant.
Coding change: c.4203C>A on transcript NM_000392.5 (MANE Select); coding-DNA position 4203, C replaced by A.
Protein change: p.Tyr1401Ter; replaces tyrosine 1401 with a stop codon.
Molecular consequence: nonsense.
Genome position (GRCh38, 1-based): chr10:99,847,017, C>A. VCF-style: chr10-99847017-C-A. GRCh37 (hg19) VCF-style: chr10-101606774-C-A.
Other names: short protein forms Y1401*.
Identifiers: ClinVar variation 2772360 (VCV002772360.3), dbSNP rs368800587, ClinGen allele CA378129051.

ClinVar aggregate classification (germline): Pathogenic (1 of 4 stars; one submission).

Submission:

Labcorp Genetics (formerly Invitae), Labcorp
Classification: Pathogenic. Last evaluated: 2023-10-28. Review status: criteria provided, single submitter. Criteria: Invitae Variant Classification Sherloc (09022015). Collection method: clinical testing. Allele origin: germline.
Comment: This sequence change creates a premature translational stop signal (p.Tyr1401*) in the ABCC2 gene. It is expected to result in an absent or disrupted protein product. Loss-of-function variants in ABCC2 are known to be pathogenic (PMID: 9185779, 16549534, 16952291). This variant is not present in population databases (gnomAD no frequency). This variant has not been reported in the literature in individuals affected with ABCC2-related conditions. For these reasons, this variant has been classified as Pathogenic.

Literature cited by the submitters: PubMed 9185779; PubMed 16549534; PubMed 16952291.